The following is an entry in ClinVar:

NM_025132.4(WDR19):c.3230A>G (p.His1077Arg)

Gene: WDR19 (WD repeat domain 19; plus strand). Cytogenetic location: 4p14.
Variant type: single nucleotide variant.
Coding change: c.3230A>G on transcript NM_025132.4 (MANE Select); coding-DNA position 3230, A replaced by G.
Protein change: p.His1077Arg; replaces histidine 1077 with arginine.
Molecular consequence: missense variant.
Genome position (GRCh38, 1-based): chr4:39,266,109, A>G. VCF-style: chr4-39266109-A-G. GRCh37 (hg19) VCF-style: chr4-39267729-A-G.
Other names: c.2750A>G, p.His917Arg (NM_001317924.2); short protein forms H917R, H1077R.
Identifiers: ClinVar variation 2177035 (VCV002177035.4), dbSNP rs1183381045, ClinGen allele CA356644890.

ClinVar aggregate classification (germline): Uncertain significance (1 of 4 stars; one submission).

Conditions:
Senior-Loken syndrome 8 (SLSN8). Identifiers: Orphanet 3156, MedGen C4225376, MONDO:0014579, OMIM 616307.
Asphyxiating thoracic dystrophy 5 (SRTD5). Also called: SHORT-RIB THORACIC DYSPLASIA 5 WITH OR WITHOUT POLYDACTYLY; SHORT-RIB THORACIC DYSPLASIA 5 WITHOUT POLYDACTYLY. Identifiers: Orphanet 474, MedGen C3280598, MONDO:0013717, OMIM 614376.

Allele frequency attached by ClinVar (database versions not stated): gnomAD 0.00001.
gnomAD v4.1: 10 of 1,562,904 alleles (0.00064%); highest among the groups gnomAD compares: African/African-American, 0.0014%; no homozygotes.

Submission:

Labcorp Genetics (formerly Invitae), Labcorp
Classification: Uncertain significance for Senior-Loken syndrome 8; Asphyxiating thoracic dystrophy 5. Last evaluated: 2022-09-27. Review status: criteria provided, single submitter. Criteria: Invitae Variant Classification Sherloc (09022015). Collection method: clinical testing. Allele origin: germline.
Comment: In summary, the available evidence is currently insufficient to determine the role of this variant in disease. Therefore, it has been classified as a Variant of Uncertain Significance. Advanced modeling of protein sequence and biophysical properties (such as structural, functional, and spatial information, amino acid conservation, physicochemical variation, residue mobility, and thermodynamic stability) performed at Invitae indicates that this missense variant is not expected to disrupt WDR19 protein function. This variant has not been reported in the literature in individuals affected with WDR19-related conditions. The frequency data for this variant in the population databases is considered unreliable, as metrics indicate poor data quality at this position in the gnomAD database. This sequence change replaces histidine, which is basic and polar, with arginine, which is basic and polar, at codon 1077 of the WDR19 protein (p.His1077Arg).